The following is an entry in ClinVar:

NM_001308093.3(GATA4):c.317C>G (p.Pro106Arg)

Gene: GATA4 (GATA binding protein 4). Cytogenetic location: 8p23.1.
Variant type: single nucleotide variant.
Coding change: c.317C>G on transcript NM_001308093.3 (MANE Select); coding-DNA position 317, C replaced by G.
Protein change: p.Pro106Arg; replaces proline 106 with arginine.
Molecular consequence: missense variant. On other transcripts: intron variant (3).
Genome position (GRCh38, 1-based): chr8:11,708,629, C>G. VCF-style: chr8-11708629-C-G. GRCh37 (hg19) VCF-style: chr8-11566138-C-G.
Other names: c.317C>G, p.Pro106Arg (NM_002052.5); c.-6+7851C>G (NM_001308094.2); c.-3+615C>G (NM_001374274.1); c.-3+4325C>G (NM_001374273.1); short protein forms P106R.
Identifiers: ClinVar variation 2904223 (VCV002904223.3), dbSNP rs1800010393, ClinGen allele CA370309376.
Genomic context (GRCh38, chr8:11,708,629, plus strand): 5'-GCCCGGGATGGAGCCAGGCGGGAGCCGACGGAGCCGCTTACACCCCGCCGCCGGTGTCGC[C>G]GCGCTTCTCCTTCCCGGGGACCACCGGGTCCCTGGCGGCCGCCGCCGCCGCTGCCGCGGC-3'
Protein context (NP_001295022.1, residues 96-116): GAAYTPPPVS[Pro106Arg]RFSFPGTTGS

ClinVar aggregate classification (germline): Uncertain significance (1 of 4 stars; one submission).

Conditions:
Atrioventricular septal defect 4 (AVSD4). Identifiers: MedGen C3280781, MONDO:0013747, OMIM 614430.

gnomAD v4.1: 2 of 1,338,530 alleles (0.00015%); highest among the groups gnomAD compares: Middle Eastern, 0.028%; no homozygotes.

Submission:

Labcorp Genetics (formerly Invitae), Labcorp
Classification: Uncertain significance for Atrioventricular septal defect 4. Last evaluated: 2024-04-29. Review status: criteria provided, single submitter. Criteria: Invitae Variant Classification Sherloc (09022015). Collection method: clinical testing. Allele origin: germline.
Comment: This sequence change replaces proline, which is neutral and non-polar, with arginine, which is basic and polar, at codon 106 of the GATA4 protein (p.Pro106Arg). This variant is not present in population databases (gnomAD no frequency). This variant has not been reported in the literature in individuals affected with GATA4-related conditions. Advanced modeling of protein sequence and biophysical properties (such as structural, functional, and spatial information, amino acid conservation, physicochemical variation, residue mobility, and thermodynamic stability) performed at Invitae indicates that this missense variant is not expected to disrupt GATA4 protein function with a negative predictive value of 80%. In summary, the available evidence is currently insufficient to determine the role of this variant in disease. Therefore, it has been classified as a Variant of Uncertain Significance.